The following is an entry in ClinVar:

NM_002473.6(MYH9):c.2159+6C>T

Gene: MYH9 (myosin heavy chain 9; minus strand). Cytogenetic location: 22q12.3.
Variant type: single nucleotide variant.
Coding change: c.2159+6C>T on transcript NM_002473.6 (MANE Select); 6 bases into the intron after coding-DNA position 2159, C replaced by T.
Molecular consequence: intron variant.
Genome position (GRCh38, 1-based): chr22:36,305,924, G>A on the plus strand (C>T on the coding strand, the complement: MYH9 is on the minus strand). VCF-style: chr22-36305924-G-A. GRCh37 (hg19) VCF-style: chr22-36701970-G-A.
Other names: c.2159+6C>T (NM_002473.5).
Identifiers: ClinVar variation 228924 (VCV000228924.11), dbSNP rs748916231, ClinGen allele CA10210082.

ClinVar aggregate classification (germline): Conflicting classifications of pathogenicity. Review status: criteria provided, conflicting classifications (1 of 4 stars). 4 submissions from 4 submitters: Uncertain significance (3); Likely benign (1). Last evaluated 2026-07-07.

Conditions:
MYH9-related disorder. Identifiers: MedGen C1854520.
Autosomal dominant nonsyndromic hearing loss 17. Also called: Autosomal dominant nonsyndromic deafness 17; Deafness, autosomal dominant 17. Identifiers: Orphanet 90635, MedGen C1863659, MONDO:0011350, OMIM 603622.
Macrothrombocytopenia and granulocyte inclusions with or without nephritis or sensorineural hearing loss (MATINS). Also called: BLEEDING DISORDER, PLATELET-TYPE, 6; MACROTHROMBOCYTOPENIA, NEPHRITIS, AND DEAFNESS; MACROTHROMBOCYTOPENIA, NEPHRITIS, DEAFNESS, AND LEUKOCYTE INCLUSIONS; ALPORT SYNDROME WITH MACROTHROMBOCYTOPENIA; Fechtner syndrome; Epstein syndrome. Identifiers: Orphanet 182050, MedGen C5200934, MONDO:0015912, OMIM 155100.

Allele frequency attached by ClinVar (database versions not stated): gnomAD exomes 0.00001; ExAC 0.00002; gnomAD 0.00004; TOPMed 0.00004.
gnomAD v4.1: 13 of 1,612,758 alleles (0.00081%); highest among the groups gnomAD compares: African/African-American, 0.012%; no homozygotes.

Submissions (4):

PreventionGenetics, part of Exact Sciences
Classification: Likely benign for MYH9-related condition. Last evaluated: 2026-07-07. Review status: criteria provided, single submitter. Criteria: ACMG Guidelines, 2015. Collection method: clinical testing. Allele origin: germline.
Comment: This variant is classified as likely benign based on ACMG/AMP sequence variant interpretation guidelines (Richards et al. 2015 PMID: 25741868, with internal and published modifications).

Labcorp Genetics (formerly Invitae), Labcorp
Classification: Uncertain significance. Last evaluated: 2022-06-21. Review status: criteria provided, single submitter. Criteria: Invitae Variant Classification Sherloc (09022015). Collection method: clinical testing. Allele origin: germline.
Comment: ClinVar contains an entry for this variant (Variation ID: 228924). Variants that disrupt the consensus splice site are a relatively common cause of aberrant splicing (PMID: 17576681, 9536098). Algorithms developed to predict the effect of sequence changes on RNA splicing suggest that this variant is not likely to affect RNA splicing. In summary, the available evidence is currently insufficient to determine the role of this variant in disease. Therefore, it has been classified as a Variant of Uncertain Significance. This sequence change falls in intron 17 of the MYH9 gene. It does not directly change the encoded amino acid sequence of the MYH9 protein. It affects a nucleotide within the consensus splice site. This variant is present in population databases (rs748916231, gnomAD 0.01%). This variant has not been reported in the literature in individuals affected with MYH9-related conditions.

Fulgent Genetics
Classification: Uncertain significance for Macrothrombocytopenia and granulocyte inclusions with or without nephritis or sensorineural hearing loss; Autosomal dominant nonsyndromic hearing loss 17. Last evaluated: 2021-11-16. Review status: criteria provided, single submitter. Criteria: ACMG Guidelines, 2015. Collection method: clinical testing. Allele origin: unknown.

Laboratory for Molecular Medicine, Mass General Brigham Personalized Medicine
Classification: Uncertain significance. Last evaluated: 2016-01-03. Review status: criteria provided, single submitter. Criteria: LMM Criteria. Collection method: clinical testing. Allele origin: germline. Observed: 2 variant alleles.
Comment: Variant classified as Uncertain Significance - Favor Benign. The c.2159+6C>T var iant in MYH9 has not been previously reported in individuals with hearing loss, but has been identified in 2/10110 African chromosomes by the Exome Aggregation Consortium (ExAC; dbSNP rs748916231). This varia nt is located in the 5' splice region but does not affect the invariant position s (+1/+2) of the splice site consensus sequence. In addition, computational tool s do not suggest an impact to splicing. However, this information is not predict ive enough to rule out pathogenicity. In summary, while the clinical significanc e of the c.2159+6C>T variant is uncertain, these data suggest that it is more li kely to be benign.

Literature cited by the submitters: PubMed 17576681 (cited by Labcorp Genetics (formerly Invitae), Labcorp); PubMed 9536098 (cited by Labcorp Genetics (formerly Invitae), Labcorp).